The following is an entry in ClinVar:

NM_001042492.3(NF1):c.3051A>G (p.Gln1017=)

Gene: NF1 (neurofibromin 1; plus strand). Cytogenetic location: 17q11.2.
Variant type: single nucleotide variant.
Coding change: c.3051A>G on transcript NM_001042492.3 (MANE Select); coding-DNA position 3051, A replaced by G.
Protein change: p.Gln1017=; no amino-acid change (glutamine 1017 retained).
Molecular consequence: synonymous variant.
Genome position (GRCh38, 1-based): chr17:31,230,320, A>G. VCF-style: chr17-31230320-A-G. GRCh37 (hg19) VCF-style: chr17-29557338-A-G.
Other names: c.3051A>G, p.Gln1017= (NM_000267.4).
Identifiers: ClinVar variation 822734 (VCV000822734.13), dbSNP rs201891488, ClinGen allele CA289336800.
Genomic context (GRCh38, chr17:31,230,320, plus strand): 5'-GTATGTTCGTGTGCTTGGGAATATGGTCCATGCAATTCAAATAAAAACGAAACTGTGTCA[A>G]TTAGTTGAAGTAATGATGGCAAGGAGAGATGACCTCTCATTTTGCCAAGAGATGAAATTT-3'
Protein context (NP_001035957.1, residues 1007-1027): HAIQIKTKLC[Gln1017=]LVEVMMARRD

ClinVar aggregate classification (germline): Benign/Likely benign. Review status: criteria provided, multiple submitters, no conflicts (2 of 4 stars). 4 submissions from 4 submitters: Benign (1); Likely benign (3). Last evaluated 2026-05-20.

Conditions:
Cardiovascular phenotype. Identifiers: MedGen CN230736.
Hereditary cancer-predisposing syndrome. Also called: Neoplastic Syndromes, Hereditary; Tumor predisposition; Hereditary Cancer Syndrome; Hereditary neoplastic syndrome. Identifiers: Orphanet 140162, MedGen C0027672, MeSH D009386, MONDO:0015356.
Neurofibromatosis, type 1 (NF1). Also called: VON RECKLINGHAUSEN DISEASE; Peripheral type neurofibromatosis; NEUROFIBROMATOSIS, TYPE I, SOMATIC; Neurofibromatosis, type I. Identifiers: Orphanet 636, MedGen C0027831, MONDO:0018975, OMIM 162200. Disease mechanism: loss of function.

Allele frequency attached by ClinVar (database versions not stated): gnomAD exomes below 0.00001; TOPMed below 0.00001.
gnomAD v4.1: 2 of 1,613,500 alleles (0.00012%); highest among the groups gnomAD compares: East Asian, 0.0022%; no homozygotes.

Submissions (4):

Myriad Genetics, Inc.
Classification: Benign for Neurofibromatosis, type 1. Last evaluated: 2026-05-20. Review status: criteria provided, single submitter. Criteria: Myriad Autosomal Dominant, Autosomal Recessive and X-Linked Classification Criteria (2023). Collection method: clinical testing. Allele origin: unknown.
Comment: This variant is considered benign. This variant is a silent/synonymous amino acid change and it is not expected to impact splicing.

Labcorp Genetics (formerly Invitae), Labcorp
Classification: Likely benign for Neurofibromatosis, type 1. Last evaluated: 2025-11-11. Review status: criteria provided, single submitter. Criteria: Invitae Variant Classification Sherloc (09022015). Collection method: clinical testing. Allele origin: germline.

Blueprint Genetics
Classification: Likely benign. Last evaluated: 2024-11-08. Review status: criteria provided, single submitter. Criteria: ACMG Guidelines, 2015. Collection method: clinical testing. Allele origin: germline.

Ambry Genetics
Classification: Likely benign for Cardiovascular phenotype; Hereditary cancer-predisposing syndrome. Last evaluated: 2019-08-06. Review status: criteria provided, single submitter. Criteria: Ambry Variant Classification Scheme 2023. Collection method: clinical testing. Allele origin: germline.